The following is an entry in ClinVar:

ClinVar aggregate classification (germline): Likely benign. Review status: criteria provided, multiple submitters, no conflicts (2 of 4 stars). 4 submissions from 4 submitters: Likely benign (4). Last evaluated 2026-06-28.

Conditions:
Inborn genetic diseases. Identifiers: MedGen C0950123, MeSH D030342.
CTNNB1-related disorder. Also called: CTNNB1-related condition.

Allele frequency attached by ClinVar (database versions not stated): gnomAD exomes below 0.00001; gnomAD 0.00001; TOPMed 0.00002.
gnomAD v4.1: 5 of 1,613,718 alleles (0.00031%); highest among the groups gnomAD compares: Admixed American, 0.0033%; no homozygotes.

Submissions (4):

PreventionGenetics, part of Exact Sciences
Classification: Likely benign for CTNNB1-related condition. Last evaluated: 2026-06-28. Review status: criteria provided, single submitter. Criteria: ACMG Guidelines, 2015. Collection method: clinical testing. Allele origin: germline.
Comment: This variant is classified as likely benign based on ACMG/AMP sequence variant interpretation guidelines (Richards et al. 2015 PMID: 25741868, with internal and published modifications).

Ambry Genetics
Classification: Likely benign for Inborn genetic diseases. Last evaluated: 2026-06-15. Review status: criteria provided, single submitter. Criteria: Ambry Variant Classification Scheme 2023. Collection method: clinical testing. Allele origin: germline.

Labcorp Genetics (formerly Invitae), Labcorp
Classification: Likely benign. Last evaluated: 2023-11-27. Review status: criteria provided, single submitter. Criteria: Invitae Variant Classification Sherloc (09022015). Collection method: clinical testing. Allele origin: germline.

Blueprint Genetics
Classification: Likely benign. Last evaluated: 2022-10-27. Review status: criteria provided, single submitter. Criteria: ACMG Guidelines, 2015. Collection method: clinical testing. Allele origin: germline.

NM_001904.4(CTNNB1):c.909T>C (p.Ile303=)

Gene: CTNNB1 (catenin beta 1; plus strand). Cytogenetic location: 3p22.1.
Variant type: single nucleotide variant.
Coding change: c.909T>C on transcript NM_001904.4 (MANE Select); coding-DNA position 909, T replaced by C.
Protein change: p.Ile303=; no amino-acid change (isoleucine 303 retained).
Molecular consequence: synonymous variant.
Genome position (GRCh38, 1-based): chr3:41,225,834, T>C. VCF-style: chr3-41225834-T-C. GRCh37 (hg19) VCF-style: chr3-41267325-T-C.
Other names: c.909T>C (NM_001904.3); c.909T>C, p.Ile303= (NM_001098209.2, NM_001098210.2); c.888T>C, p.Ile296= (NM_001330729.2).
Identifiers: ClinVar variation 1585645 (VCV001585645.11), dbSNP rs1404305287, ClinGen allele CA433187297.